The following is an entry in ClinVar:

NM_000130.5(F5):c.481_482dup (p.His162fs)

Gene: F5 (coagulation factor V; minus strand). Cytogenetic location: 1q24.2.
Variant type: Duplication.
Coding change: c.481_482dup on transcript NM_000130.5 (MANE Select); coding-DNA positions 481 to 482, 2 bases duplicated (AC; older notation c.481_482dupAC).
Protein change: p.His162fs; shifts the reading frame from histidine 162.
Molecular consequence: frameshift variant.
Genome position (GRCh38, 1-based): chr1:169,560,658-169,560,659, GT duplicated on the plus strand (AC on the coding strand, the reverse complement: F5 is on the minus strand); duplicating any 2 consecutive bases within chr1:169,560,658-169,560,660 gives the same sequence; the c. name uses the placement nearest the transcript's 3' end. VCF-style (leftmost placement, unchanged base first): chr1-169560657-G-GGT. GRCh37 (hg19) VCF-style: chr1-169529895-G-GGT.
Other names: c.481_482dupAC (NM_000130.4); short protein forms H162fs.
Identifiers: ClinVar variation 4997257 (VCV004997257.1).

ClinVar aggregate classification (germline): Likely pathogenic (1 of 4 stars; one submission).

Conditions:
F5-related disorder. Also called: F5-related condition.

Submission:

PreventionGenetics, part of Exact Sciences
Classification: Likely pathogenic for F5-related condition. Last evaluated: 2025-01-16. Review status: criteria provided, single submitter. Criteria: ACMG Guidelines, 2015. Collection method: clinical testing. Allele origin: germline.
Comment: The F5 c.481_482dupAC variant is predicted to result in a frameshift and premature protein termination (p.His162Profs*18). To our knowledge, this variant has not been reported in the literature or in a large population database (gnomAD), indicating this variant is rare. Frameshift variants in F5 are expected to be pathogenic. This variant is interpreted as likely pathogenic.